The following is an entry in ClinVar:

ClinVar aggregate classification (germline): Uncertain significance. Review status: criteria provided, multiple submitters, no conflicts (2 of 4 stars). 4 submissions from 4 submitters: Uncertain significance (3). 1 of the submissions does not count toward it. Last evaluated 2025-09-28.

Conditions:
Dyskeratosis congenita, autosomal dominant 2. Identifiers: MedGen C3151443, MONDO:0013521, OMIM 613989.
Idiopathic Pulmonary Fibrosis. Also called: Idiopathic fibrosing alveolitis, chronic form; idiopathic fibrosing alveolitis. Identifiers: Orphanet 2032, MedGen C1800706, MeSH D054990, MONDO:0800504.
TERT-related disorder. Also called: TERT-related condition; TERT-related disorders.
Dyskeratosis congenita. Identifiers: Orphanet 1775, MedGen C0265965, MONDO:0015780.

Allele frequency attached by ClinVar (database versions not stated): ExAC 0.00001; gnomAD 0.00002; gnomAD exomes 0.00001 and below 0.00001.
gnomAD v4.1: 9 of 1,612,940 alleles (0.00056%); highest among the groups gnomAD compares: Non-Finnish European, 0.00025%; no homozygotes.

Submissions (4):

Labcorp Genetics (formerly Invitae), Labcorp
Classification: Uncertain significance for Dyskeratosis congenita, autosomal dominant 2; Idiopathic Pulmonary Fibrosis. Last evaluated: 2025-09-28. Review status: criteria provided, single submitter. Criteria: Invitae Variant Classification Sherloc (09022015). Collection method: clinical testing. Allele origin: germline.
Comment: This sequence change replaces histidine, which is basic and polar, with arginine, which is basic and polar, at codon 815 of the TERT protein (p.His815Arg). This variant is present in population databases (rs771392980, gnomAD 0.01%). This variant has not been reported in the literature in individuals affected with TERT-related conditions. ClinVar contains an entry for this variant (Variation ID: 1039627). Invitae Evidence Modeling of protein sequence and biophysical properties (such as structural, functional, and spatial information, amino acid conservation, physicochemical variation, residue mobility, and thermodynamic stability) indicates that this missense variant is not expected to disrupt TERT protein function with a negative predictive value of 95%. In summary, the available evidence is currently insufficient to determine the role of this variant in disease. Therefore, it has been classified as a Variant of Uncertain Significance.

Ambry Genetics
Classification: Uncertain significance for Dyskeratosis congenita. Last evaluated: 2025-07-06. Review status: criteria provided, single submitter. Criteria: Ambry Variant Classification Scheme 2023. Collection method: clinical testing. Allele origin: germline.
Comment: The p.H815R variant (also known as c.2444A>G), located in coding exon 8 of the TERT gene, results from an A to G substitution at nucleotide position 2444. The histidine at codon 815 is replaced by arginine, an amino acid with highly similar properties. This amino acid position is conserved. In addition, this alteration is predicted to be tolerated by in silico analysis. Based on the available evidence, the clinical significance of this variant remains unclear.

GeneDx
Classification: Uncertain significance. Last evaluated: 2025-04-24. Review status: criteria provided, single submitter. Criteria: GeneDx Variant Classification Process June 2021. Collection method: clinical testing. Allele origin: germline. Affected: yes.
Comment: In silico analysis indicates that this missense variant does not alter protein structure/function; Has not been previously published as pathogenic or benign to our knowledge

PreventionGenetics, part of Exact Sciences
Classification: Uncertain significance for TERT-related condition. Last evaluated: 2024-07-18. Review status: no assertion criteria provided. Collection method: clinical testing. Allele origin: germline. Not counted in ClinVar's aggregate classification.
Comment: The TERT c.2444A>G variant is predicted to result in the amino acid substitution p.His815Arg. To our knowledge, this variant has not been reported in the literature. This variant is reported in 0.012% of alleles in individuals of European (Finnish) descent in gnomAD and is classified as a variant of uncertain significance in ClinVar. At this time, the clinical significance of this variant is uncertain due to the absence of conclusive functional and genetic evidence.

NM_198253.3(TERT):c.2444A>G (p.His815Arg)

Gene: TERT (telomerase reverse transcriptase; minus strand). Cytogenetic location: 5p15.33.
Variant type: single nucleotide variant.
Coding change: c.2444A>G on transcript NM_198253.3 (MANE Select); coding-DNA position 2444, A replaced by G.
Protein change: p.His815Arg; replaces histidine 815 with arginine.
Molecular consequence: missense variant.
Genome position (GRCh38, 1-based): chr5:1,271,143, T>C on the plus strand (A>G on the coding strand, the complement: TERT is on the minus strand). VCF-style: chr5-1271143-T-C. GRCh37 (hg19) VCF-style: chr5-1271258-T-C.
Other names: c.2444A>G (NM_198253.2); c.2444A>G, p.His815Arg (NM_001193376.3); short protein forms H815R.
Identifiers: ClinVar variation 1039627 (VCV001039627.12), dbSNP rs771392980, ClinGen allele CA3184518.